The following is an entry in ClinVar:

NM_001367624.2(ZNF469):c.11163C>T (p.Pro3721=)

Gene: ZNF469 (zinc finger protein 469; plus strand). Cytogenetic location: 16q24.2.
Variant type: single nucleotide variant.
Coding change: c.11163C>T on transcript NM_001367624.2 (MANE Select); coding-DNA position 11163, C replaced by T.
Protein change: p.Pro3721=; no amino-acid change (proline 3721 retained).
Molecular consequence: synonymous variant.
Genome position (GRCh38, 1-based): chr16:88,438,633, C>T. VCF-style: chr16-88438633-C-T. GRCh37 (hg19) VCF-style: chr16-88505041-C-T.
Other names: NM_001127464.1:c.11079C>T; NM_001127464.2:c.11079C>T.
Identifiers: ClinVar variation 1592947 (VCV001592947.12), dbSNP rs758259528, ClinGen allele CA8225588.
Genomic context (GRCh38, chr16:88,438,633, plus strand): 5'-GGCGGTGGGGAGCCTGGCACCCGGGGAGCTGGCCCGTGGCACAGAGAATGGGATGAAGCC[C>T]GCCACCCCCAAAGCCAAACCCGGCCCCAGCTCCCAGGGCAGTGGAAGCCCTCGCCCCGGC-3'
Protein context (NP_001354553.1, residues 3711-3731): LARGTENGMK[Pro3721=]ATPKAKPGPS

ClinVar aggregate classification (germline): Likely benign. Review status: criteria provided, multiple submitters, no conflicts (2 of 4 stars). 3 submissions from 3 submitters: Likely benign (2). 1 of the submissions does not count toward it. Last evaluated 2026-02-01.

Conditions:
ZNF469-related disorder. Also called: ZNF469-related condition.
Cardiovascular phenotype. Identifiers: MedGen CN230736.

Allele frequency attached by ClinVar (database versions not stated): gnomAD 0.00004; gnomAD exomes 0.00005 and 0.00007; ExAC 0.00007; TOPMed 0.00008.
gnomAD v4.1: 75 of 1,549,930 alleles (0.0048%); highest among the groups gnomAD compares: Middle Eastern, 0.033%; no homozygotes.

Submissions (3):

Labcorp Genetics (formerly Invitae), Labcorp
Classification: Likely benign. Last evaluated: 2026-02-01. Review status: criteria provided, single submitter. Criteria: Invitae Variant Classification Sherloc (09022015). Collection method: clinical testing. Allele origin: germline.

Ambry Genetics
Classification: Likely benign for Cardiovascular phenotype. Last evaluated: 2019-02-14. Review status: criteria provided, single submitter. Criteria: Ambry Variant Classification Scheme 2023. Collection method: clinical testing. Allele origin: germline.

PreventionGenetics, part of Exact Sciences
Classification: Likely benign for ZNF469-related condition. Last evaluated: 2019-09-05. Review status: no assertion criteria provided. Collection method: clinical testing. Allele origin: germline. Not counted in ClinVar's aggregate classification.
Comment: This variant is classified as likely benign based on ACMG/AMP sequence variant interpretation guidelines (Richards et al. 2015 PMID: 25741868, with internal and published modifications).